The following is an entry in ClinVar:

NM_001008212.2(OPTN):c.263T>C (p.Ile88Thr)

Genes: OPTN (optineurin; plus strand), LOC108903148 (10p13 OPTN distal Alu-mediated recombination region; plus strand). Cytogenetic location: 10p13.
Variant type: single nucleotide variant.
Coding change: c.263T>C on transcript NM_001008212.2 (MANE Select); coding-DNA position 263, T replaced by C.
Protein change: p.Ile88Thr; replaces isoleucine 88 with threonine.
Molecular consequence: missense variant.
Genome position (GRCh38, 1-based): chr10:13,110,370, T>C. VCF-style: chr10-13110370-T-C. GRCh37 (hg19) VCF-style: chr10-13152370-T-C.
Other names: c.263T>C, p.Ile88Thr (NM_001008211.1, NM_001008213.1, NM_021980.4); short protein forms I88T.
Identifiers: ClinVar variation 1196529 (VCV001196529.8), dbSNP rs760492259, ClinGen allele CA5410551.

ClinVar aggregate classification (germline): Uncertain significance. Review status: criteria provided, multiple submitters, no conflicts (2 of 4 stars). 2 submissions from 2 submitters: Uncertain significance (2). Last evaluated 2025-03-18.

Conditions:
Primary open angle glaucoma (POAG). Also called: OPTN-related open angle glaucoma. Identifiers: MedGen C0339573, MONDO:0100553, OMIM 137760.
Amyotrophic lateral sclerosis type 12 (ALS12). Also called: AMYOTROPHIC LATERAL SCLEROSIS 12 WITH OR WITHOUT FRONTOTEMPORAL DEMENTIA. Identifiers: Orphanet 803, MedGen C3150692, MONDO:0013264, OMIM 613435.
Glaucoma 1, open angle, E. Identifiers: MedGen C1842026, MONDO:0007665.

Allele frequency attached by ClinVar (database versions not stated): gnomAD exomes 0.00003 and 0.00005; gnomAD 0.00006; TOPMed 0.00006; ExAC 0.00010.
gnomAD v4.1: 58 of 1,613,882 alleles (0.0036%); highest among the groups gnomAD compares: East Asian, 0.016%; no homozygotes.

Submissions (2):

Labcorp Genetics (formerly Invitae), Labcorp
Classification: Uncertain significance for Primary open angle glaucoma; Glaucoma 1, open angle, E; Amyotrophic lateral sclerosis type 12. Last evaluated: 2025-03-18. Review status: criteria provided, single submitter. Criteria: Invitae Variant Classification Sherloc (09022015). Collection method: clinical testing. Allele origin: germline.
Comment: This sequence change replaces isoleucine, which is neutral and non-polar, with threonine, which is neutral and polar, at codon 88 of the OPTN protein (p.Ile88Thr). This variant is present in population databases (rs760492259, gnomAD 0.04%). This missense change has been observed in individual(s) with primary open angle glaucoma (POAG) (PMID: 16148883). This variant is also known as c.573T>C. ClinVar contains an entry for this variant (Variation ID: 1196529). Invitae Evidence Modeling of protein sequence and biophysical properties (such as structural, functional, and spatial information, amino acid conservation, physicochemical variation, residue mobility, and thermodynamic stability) indicates that this missense variant is not expected to disrupt OPTN protein function with a negative predictive value of 80%. In summary, the available evidence is currently insufficient to determine the role of this variant in disease. Therefore, it has been classified as a Variant of Uncertain Significance.

GeneDx
Classification: Uncertain significance. Last evaluated: 2018-12-07. Review status: criteria provided, single submitter. Criteria: GeneDx Variant Classification Process June 2021. Collection method: clinical testing. Allele origin: germline. Affected: yes.
Comment: In silico analysis, which includes protein predictors and evolutionary conservation, supports that this variant does not alter protein structure/function; Has not been previously published as pathogenic or benign to our knowledge

Literature cited by the submitters: PubMed 16148883 (cited by Labcorp Genetics (formerly Invitae), Labcorp).